The following is an entry in ClinVar:

NM_015340.4(LARS2):c.1051C>T (p.Leu351Phe)

Genes: LARS2 (leucyl-tRNA synthetase 2, mitochondrial; plus strand), LARS2-AS1 (LARS2 antisense RNA 1; minus strand). Cytogenetic location: 3p21.31.
Variant type: single nucleotide variant.
Coding change: c.1051C>T on transcript NM_015340.4 (MANE Select); coding-DNA position 1051, C replaced by T.
Protein change: p.Leu351Phe; replaces leucine 351 with phenylalanine.
Molecular consequence: missense variant.
Genome position (GRCh38, 1-based): chr3:45,485,724, C>T. VCF-style: chr3-45485724-C-T. GRCh37 (hg19) VCF-style: chr3-45527216-C-T.
Other names: c.1051C>T, p.Leu351Phe (NM_001368263.1); short protein forms L351F.
Identifiers: ClinVar variation 1468331 (VCV001468331.6), dbSNP rs2125727364, ClinGen allele CA352424337.

ClinVar aggregate classification (germline): Uncertain significance (1 of 4 stars; one submission).

Submission:

Labcorp Genetics (formerly Invitae), Labcorp
Classification: Uncertain significance. Last evaluated: 2021-11-11. Review status: criteria provided, single submitter. Criteria: Invitae Variant Classification Sherloc (09022015). Collection method: clinical testing. Allele origin: germline.
Comment: This sequence change replaces leucine, which is neutral and non-polar, with phenylalanine, which is neutral and non-polar, at codon 351 of the LARS2 protein (p.Leu351Phe). In summary, the available evidence is currently insufficient to determine the role of this variant in disease. Therefore, it has been classified as a Variant of Uncertain Significance. Algorithms developed to predict the effect of missense changes on protein structure and function (SIFT, PolyPhen-2, Align-GVGD) all suggest that this variant is likely to be tolerated. This variant has not been reported in the literature in individuals affected with LARS2-related conditions. This variant is not present in population databases (gnomAD no frequency).